The following is an entry in ClinVar:

ClinVar aggregate classification (germline): Likely benign. Review status: criteria provided, multiple submitters, no conflicts (2 of 4 stars). 3 submissions from 3 submitters: Likely benign (3). Last evaluated 2025-07-13.

Allele frequency attached by ClinVar (database versions not stated): gnomAD exomes 0.00004 and 0.00008; TOPMed 0.00005; gnomAD 0.00006; ExAC 0.00014.
gnomAD v4.1: 67 of 1,551,002 alleles (0.0043%); highest among the groups gnomAD compares: Middle Eastern, 0.05%; 1 homozygote.

Submissions (3):

Labcorp Genetics (formerly Invitae), Labcorp
Classification: Likely benign. Last evaluated: 2025-07-13. Review status: criteria provided, single submitter. Criteria: Invitae Variant Classification Sherloc (09022015). Collection method: clinical testing. Allele origin: germline.

Blueprint Genetics
Classification: Likely benign. Last evaluated: 2024-11-07. Review status: criteria provided, single submitter. Criteria: ACMG Guidelines, 2015. Collection method: clinical testing. Allele origin: germline.

CeGaT Center for Human Genetics Tuebingen
Classification: Likely benign. Last evaluated: 2023-09-01. Review status: criteria provided, single submitter. Criteria: CeGaT Center For Human Genetics Tuebingen Variant Classification Criteria Version 2. Collection method: clinical testing. Allele origin: germline. Affected: yes. Observed: 1 variant allele.
Comment: UNC80: BP4, BP7

NM_001371986.1(UNC80):c.6783G>A (p.Gly2261=)

Gene: UNC80 (unc-80 subunit of NALCN channel complex; plus strand). Cytogenetic location: 2q34.
Variant type: single nucleotide variant.
Coding change: c.6783G>A on transcript NM_001371986.1 (MANE Select); coding-DNA position 6783, G replaced by A.
Protein change: p.Gly2261=; no amino-acid change (glycine 2261 retained).
Molecular consequence: synonymous variant.
Genome position (GRCh38, 1-based): chr2:209,941,357, G>A. VCF-style: chr2-209941357-G-A. GRCh37 (hg19) VCF-style: chr2-210806081-G-A.
Other names: c.6585G>A, p.Gly2195= (NM_032504.2); c.6570G>A, p.Gly2190= (NM_182587.4).
Identifiers: ClinVar variation 756058 (VCV000756058.34), dbSNP rs746042765, ClinGen allele CA2083413.